The following is an entry in ClinVar:

NM_007215.4(POLG2):c.1451A>G (p.Asn484Ser)

Genes: MILR1 (mast cell immunoglobulin like receptor 1; plus strand), POLG2 (DNA polymerase gamma 2, accessory subunit; minus strand). Cytogenetic location: 17q23.3.
Variant type: single nucleotide variant.
Coding change: c.1451A>G on transcript NM_007215.4 (MANE Select); coding-DNA position 1451, A replaced by G.
Protein change: p.Asn484Ser; replaces asparagine 484 with serine.
Molecular consequence: missense variant.
Genome position (GRCh38, 1-based): chr17:64,477,830, T>C on the plus strand (A>G on the coding strand, the complement: POLG2 is on the minus strand). VCF-style: chr17-64477830-T-C. GRCh37 (hg19) VCF-style: chr17-62473947-T-C.
Other names: short protein forms N484S.
Identifiers: ClinVar variation 3645407 (VCV003645407.2).
Genomic context (GRCh38, chr17:64,477,830, plus strand): 5'-CATAAGACAACCAAATTAGGAGAGAAGAATATTTATTATACAAATATAAAAATCTATACA[T>C]TCTTAGCTGATGATATATACTTAATCAAAAAGTCTTTTAATTTGGATATATGCATCATTT-3'
Protein context (NP_009146.2, residues 474-485): FLIKYISSAK[Asn484Ser]V

ClinVar aggregate classification (germline): Uncertain significance (1 of 4 stars; one submission).

gnomAD v4.1: 1 of 1,589,868 alleles (0.000063%); highest among the groups gnomAD compares: South Asian, 0.0012%; no homozygotes.

Submission:

Labcorp Genetics (formerly Invitae), Labcorp
Classification: Uncertain significance. Last evaluated: 2024-03-20. Review status: criteria provided, single submitter. Criteria: Invitae Variant Classification Sherloc (09022015). Collection method: clinical testing. Allele origin: germline.
Comment: This sequence change replaces asparagine, which is neutral and polar, with serine, which is neutral and polar, at codon 484 of the POLG2 protein (p.Asn484Ser). This variant is present in population databases (no rsID available, gnomAD 0.004%). This variant has not been reported in the literature in individuals affected with POLG2-related conditions. An algorithm developed to predict the effect of missense changes on protein structure and function (PolyPhen-2) suggests that this variant is likely to be tolerated. In summary, the available evidence is currently insufficient to determine the role of this variant in disease. Therefore, it has been classified as a Variant of Uncertain Significance.